The following is an entry in ClinVar:

NM_001128225.3(SLC39A13):c.301+5G>A

Gene: SLC39A13 (solute carrier family 39 member 13; plus strand). Cytogenetic location: 11p11.2.
Variant type: single nucleotide variant.
Coding change: c.301+5G>A on transcript NM_001128225.3 (MANE Select); 5 bases into the intron after coding-DNA position 301, G replaced by A.
Molecular consequence: intron variant.
Genome position (GRCh38, 1-based): chr11:47,410,400, G>A. VCF-style: chr11-47410400-G-A. GRCh37 (hg19) VCF-style: chr11-47431951-G-A.
Other names: c.301+5G>A (NM_152264.5, NM_001330245.2).
Identifiers: ClinVar variation 860715 (VCV000860715.8), dbSNP rs1351664483, ClinGen allele CA599374614.

ClinVar aggregate classification (germline): Uncertain significance. Review status: criteria provided, multiple submitters, no conflicts (2 of 4 stars). 2 submissions from 2 submitters: Uncertain significance (2). Last evaluated 2025-12-02.

Conditions:
Ehlers-Danlos syndrome, spondylodysplastic type, 3. Also called: Ehlers-Danlos syndrome, spondylocheirodysplastic type. Identifiers: Orphanet 157965, MedGen C2676510, MONDO:0012873, OMIM 612350.

Allele frequency attached by ClinVar (database versions not stated): gnomAD exomes below 0.00001; TOPMed below 0.00001.
gnomAD v4.1: 2 of 1,613,872 alleles (0.00012%); highest among the groups gnomAD compares: Admixed American, 0.0033%; no homozygotes.

Submissions (2):

Women's Health and Genetics/Laboratory Corporation of America, LabCorp
Classification: Uncertain significance. Last evaluated: 2025-12-02. Review status: criteria provided, single submitter. Criteria: LabCorp Variant Classification Summary - May 2015. Collection method: clinical testing. Allele origin: germline.
Comment: Variant summary: SLC39A13 c.301+5G>A alters a conserved nucleotide located close to a canonical splice site and therefore could affect mRNA splicing, leading to a significantly altered protein sequence. Several computational tools predict a significant impact on normal splicing: Three predict the variant weakens a 5' donor site. One predict the variant no significant impact on splicing. Two predict the variant abolishes a cryptic 5' donor site. However, these predictions have yet to be confirmed by functional studies. The variant allele was found at a frequency of 4e-06 in 248578 control chromosomes. The available data on variant occurrences in the general population are insufficient to allow any conclusion about variant significance. To our knowledge, no occurrence of c.301+5G>A in individuals affected with SLC39A13-related conditions and no experimental evidence demonstrating its impact on protein function have been reported. ClinVar contains an entry for this variant (Variation ID: 860715). Based on the evidence outlined above, the variant was classified as uncertain significance.

Labcorp Genetics (formerly Invitae), Labcorp
Classification: Uncertain significance for Ehlers-Danlos syndrome, spondylodysplastic type, 3. Last evaluated: 2023-05-15. Review status: criteria provided, single submitter. Criteria: Invitae Variant Classification Sherloc (09022015). Collection method: clinical testing. Allele origin: germline.
Comment: This variant is present in population databases (no rsID available, gnomAD 0.006%). In summary, the available evidence is currently insufficient to determine the role of this variant in disease. Therefore, it has been classified as a Variant of Uncertain Significance. Variants that disrupt the consensus splice site are a relatively common cause of aberrant splicing (PMID: 17576681, 9536098). Algorithms developed to predict the effect of sequence changes on RNA splicing suggest that this variant may create or strengthen a splice site. ClinVar contains an entry for this variant (Variation ID: 860715). This variant has not been reported in the literature in individuals affected with SLC39A13-related conditions. This sequence change falls in intron 2 of the SLC39A13 gene. It does not directly change the encoded amino acid sequence of the SLC39A13 protein. It affects a nucleotide within the consensus splice site.

Literature cited by the submitters: PubMed 17576681 (cited by Labcorp Genetics (formerly Invitae), Labcorp); PubMed 9536098 (cited by Labcorp Genetics (formerly Invitae), Labcorp).